The following is an entry in ClinVar:

ClinVar aggregate classification (germline): Uncertain significance (1 of 4 stars; one submission).

Conditions:
Norman-Roberts syndrome (LIS2). Also called: Lissencephaly 2 (Norman-Roberts type). Identifiers: Orphanet 89844, MedGen C0796089, MONDO:0009760, OMIM 257320.
Familial temporal lobe epilepsy 7. Identifiers: Orphanet 101046, MedGen C4225327, MONDO:0014639, OMIM 616436.

Submission:

Labcorp Genetics (formerly Invitae), Labcorp
Classification: Uncertain significance for Familial temporal lobe epilepsy 7; Norman-Roberts syndrome. Last evaluated: 2021-08-22. Review status: criteria provided, single submitter. Criteria: Invitae Variant Classification Sherloc (09022015). Collection method: clinical testing. Allele origin: germline.
Comment: This sequence change replaces arginine with lysine at codon 550 of the RELN protein (p.Arg550Lys). The arginine residue is moderately conserved and there is a small physicochemical difference between arginine and lysine. This variant is present in population databases (rs773589573, ExAC 0.001%). This variant has not been reported in the literature in individuals with RELN-related conditions. Algorithms developed to predict the effect of missense changes on protein structure and function output the following: SIFT: "Tolerated"; PolyPhen-2: "Benign"; Align-GVGD: "Class C0". The lysine amino acid residue is found in multiple mammalian species, suggesting that this missense change does not adversely affect protein function. These predictions have not been confirmed by published functional studies and their clinical significance is uncertain. In summary, the available evidence is currently insufficient to determine the role of this variant in disease. Therefore, it has been classified as a Variant of Uncertain Significance.

NM_005045.4(RELN):c.1649G>A (p.Arg550Lys)

Gene: RELN (reelin; minus strand). Cytogenetic location: 7q22.1.
Variant type: single nucleotide variant.
Coding change: c.1649G>A on transcript NM_005045.4 (MANE Select); coding-DNA position 1649, G replaced by A.
Protein change: p.Arg550Lys; replaces arginine 550 with lysine.
Molecular consequence: missense variant.
Genome position (GRCh38, 1-based): chr7:103,652,665, C>T on the plus strand (G>A on the coding strand, the complement: RELN is on the minus strand). VCF-style: chr7-103652665-C-T. GRCh37 (hg19) VCF-style: chr7-103293112-C-T.
Other names: c.1649G>A, p.Arg550Lys (NM_173054.3); short protein forms R550K.
Identifiers: ClinVar variation 1479283 (VCV001479283.8), dbSNP rs773589573, ClinGen allele CA4422212.